The following is an entry in ClinVar:

ClinVar aggregate classification (germline): Uncertain significance. Review status: criteria provided, single submitter (1 of 4 stars). 2 submissions from 2 submitters: Uncertain significance (1). 1 of the submissions does not count toward it. Last evaluated 2025-11-27.

Conditions:
CLPB-related disorder. Also called: CLPB-related condition.
3-methylglutaconic aciduria, type VIIB (MGCA7B). Also called: 3-methylglutaconic aciduria with cataracts, neurologic involvement and neutropenia; 3-methylglutaconic aciduria, type VII, with cataracts, neurologic involvement and neutropenia; CLPB Deficiency. Identifiers: Orphanet 445038, MedGen C5676893, MONDO:0014561, OMIM 616271.

gnomAD v4.1: 26 of 1,614,000 alleles (0.0016%); highest among the groups gnomAD compares: Admixed American, 0.0033%; no homozygotes.

Submissions (2):

Labcorp Genetics (formerly Invitae), Labcorp
Classification: Uncertain significance for 3-methylglutaconic aciduria, type VIIB. Last evaluated: 2025-11-27. Review status: criteria provided, single submitter. Criteria: Invitae Variant Classification Sherloc (09022015). Collection method: clinical testing. Allele origin: germline.
Comment: This sequence change replaces arginine, which is basic and polar, with histidine, which is basic and polar, at codon 674 of the CLPB protein (p.Arg674His). This variant is present in population databases (no rsID available, gnomAD 0.002%). This variant has not been reported in the literature in individuals affected with CLPB-related conditions. ClinVar contains an entry for this variant (Variation ID: 2908510). An algorithm developed to predict the effect of missense changes on protein structure and function (PolyPhen-2) suggests that this variant is likely to be disruptive. In summary, the available evidence is currently insufficient to determine the role of this variant in disease. Therefore, it has been classified as a Variant of Uncertain Significance.

PreventionGenetics, part of Exact Sciences
Classification: Uncertain significance for CLPB-related condition. Last evaluated: 2024-07-26. Review status: no assertion criteria provided. Collection method: clinical testing. Allele origin: germline. Not counted in ClinVar's aggregate classification.
Comment: The CLPB c.2021G>A variant is predicted to result in the amino acid substitution p.Arg674His. To our knowledge, this variant has not been reported in the literature. This variant is reported in 0.00088% of alleles in individuals of European (Non-Finnish) descent in gnomAD. At this time, the clinical significance of this variant is uncertain due to the absence of conclusive functional and genetic evidence.

NM_001258392.3(CLPB):c.1931G>A (p.Arg644His)

Gene: CLPB (ClpB family mitochondrial disaggregase; minus strand). Cytogenetic location: 11q13.4.
Variant type: single nucleotide variant.
Coding change: c.1931G>A on transcript NM_001258392.3 (MANE Select); coding-DNA position 1931, G replaced by A.
Protein change: p.Arg644His; replaces arginine 644 with histidine.
Molecular consequence: missense variant.
Genome position (GRCh38, 1-based): chr11:72,293,470, C>T on the plus strand (G>A on the coding strand, the complement: CLPB is on the minus strand). VCF-style: chr11-72293470-C-T. GRCh37 (hg19) VCF-style: chr11-72004514-C-T.
Other names: c.2021G>A (NM_030813.5); c.1844G>A, p.Arg615His (NM_001258393.3); c.1886G>A, p.Arg629His (NM_001258394.3); c.2021G>A, p.Arg674His (NM_030813.6); short protein forms R674H, R615H, R629H, R644H.
Identifiers: ClinVar variation 2908510 (VCV002908510.4), dbSNP rs974000691, ClinGen allele CA224384937.